The following is an entry in ClinVar:

NM_001366900.1(TTC21A):c.3933G>A (p.Leu1311=)

Gene: TTC21A (tetratricopeptide repeat domain 21A; plus strand). Cytogenetic location: 3p22.2.
Variant type: single nucleotide variant.
Coding change: c.3933G>A on transcript NM_001366900.1 (MANE Select); coding-DNA position 3933, G replaced by A.
Protein change: p.Leu1311=; no amino-acid change (leucine 1311 retained).
Molecular consequence: synonymous variant. On other transcripts: non-coding transcript variant (3).
Genome position (GRCh38, 1-based): chr3:39,138,779, G>A. VCF-style: chr3-39138779-G-A. GRCh37 (hg19) VCF-style: chr3-39180270-G-A.
Other names: c.3810G>A, p.Leu1270= (NM_001105513.3); c.3957G>A, p.Leu1319= (NM_001366899.1); c.3954G>A, p.Leu1318= (NM_145755.3).
Identifiers: ClinVar variation 3389154 (VCV003389154.14).

ClinVar aggregate classification (germline): Likely benign (1 of 4 stars; one submission).

gnomAD v4.1: 10 of 1,613,904 alleles (0.00062%); highest among the groups gnomAD compares: South Asian, 0.0099%; no homozygotes.

Submission:

CeGaT Center for Human Genetics Tuebingen
Classification: Likely benign. Last evaluated: 2024-09-01. Review status: criteria provided, single submitter. Criteria: CeGaT Center For Human Genetics Tuebingen Variant Classification Criteria Version 2. Collection method: clinical testing. Allele origin: germline. Affected: yes. Observed: 1 variant allele.
Comment: TTC21A: BP4, BP7